The following is an entry in ClinVar:

NM_001098.3(ACO2):c.89C>T (p.Ala30Val)

Gene: ACO2 (aconitase 2; plus strand). Cytogenetic location: 22q13.2.
Variant type: single nucleotide variant.
Coding change: c.89C>T on transcript NM_001098.3 (MANE Select); coding-DNA position 89, C replaced by T.
Protein change: p.Ala30Val; replaces alanine 30 with valine.
Molecular consequence: missense variant.
Genome position (GRCh38, 1-based): chr22:41,499,778, C>T. VCF-style: chr22-41499778-C-T. GRCh37 (hg19) VCF-style: chr22-41895782-C-T.
Other names: short protein forms A30V.
Identifiers: ClinVar variation 1492809 (VCV001492809.6), dbSNP rs2146106154, ClinGen allele CA411711691.
Genomic context (GRCh38, chr22:41,499,778, plus strand): 5'-TCTTGCAGAAAGCTCTGGGTGTGCGGCAGTACCATGTGGCCTCAGTCCTGTGCCAACGGG[C>T]CAAGGTGGCGATGAGCCACTTTGAGCCCAACGAGTACATCCATTATGACCTGCTAGAGAA-3'
Protein context (NP_001089.1, residues 20-40): YHVASVLCQR[Ala30Val]KVAMSHFEPN

ClinVar aggregate classification (germline): Uncertain significance (1 of 4 stars; one submission).

Allele frequency attached by ClinVar (database versions not stated): gnomAD exomes below 0.00001.
gnomAD v4.1: 1 of 1,613,952 alleles (0.000062%); highest among the groups gnomAD compares: Non-Finnish European, 0.000085%; no homozygotes.

Submission:

Labcorp Genetics (formerly Invitae), Labcorp
Classification: Uncertain significance. Last evaluated: 2021-12-09. Review status: criteria provided, single submitter. Criteria: Invitae Variant Classification Sherloc (09022015). Collection method: clinical testing. Allele origin: germline.
Comment: In summary, the available evidence is currently insufficient to determine the role of this variant in disease. Therefore, it has been classified as a Variant of Uncertain Significance. Advanced modeling of protein sequence and biophysical properties (such as structural, functional, and spatial information, amino acid conservation, physicochemical variation, residue mobility, and thermodynamic stability) performed at Invitae indicates that this missense variant is expected to disrupt ACO2 protein function. This variant has not been reported in the literature in individuals affected with ACO2-related conditions. This variant is not present in population databases (gnomAD no frequency). This sequence change replaces alanine, which is neutral and non-polar, with valine, which is neutral and non-polar, at codon 30 of the ACO2 protein (p.Ala30Val).